The following is an entry in ClinVar:

ClinVar aggregate classification (germline): Uncertain significance (1 of 4 stars; one submission).

Conditions:
ADCY3-related disorder. Also called: ADCY3-related condition.

gnomAD v4.1: 1 of 1,614,006 alleles (0.000062%); highest among the groups gnomAD compares: Non-Finnish European, 0.000085%; no homozygotes.

Submission:

PreventionGenetics, part of Exact Sciences
Classification: Uncertain significance for ADCY3-related condition. Last evaluated: 2025-06-17. Review status: criteria provided, single submitter. Criteria: ACMG Guidelines, 2015. Collection method: clinical testing. Allele origin: germline.
Comment: The ADCY3 c.2072T>C variant is predicted to result in the amino acid substitution p.Leu691Pro. To our knowledge, this variant has not been reported in the literature or in a large population database, indicating this variant is rare. At this time, the clinical significance of this variant is uncertain due to the absence of conclusive functional and genetic evidence.

NM_004036.5(ADCY3):c.2072T>C (p.Leu691Pro)

Gene: ADCY3 (adenylate cyclase 3; minus strand). Cytogenetic location: 2p23.3.
Variant type: single nucleotide variant.
Coding change: c.2072T>C on transcript NM_004036.5 (MANE Select); coding-DNA position 2072, T replaced by C.
Protein change: p.Leu691Pro; replaces leucine 691 with proline.
Molecular consequence: missense variant.
Genome position (GRCh38, 1-based): chr2:24,830,809, A>G on the plus strand (T>C on the coding strand, the complement: ADCY3 is on the minus strand). VCF-style: chr2-24830809-A-G. GRCh37 (hg19) VCF-style: chr2-25053678-A-G.
Other names: c.2072T>C, p.Leu691Pro (NM_001320613.2, NM_001377129.1, NM_001377130.1 and 1 more transcripts); c.2138T>C, p.Leu713Pro (NM_001377128.1); c.1349T>C, p.Leu450Pro (NM_001377131.1); short protein forms L450P, L691P, L713P.
Identifiers: ClinVar variation 3345571 (VCV003345571.2).